The following is an entry in ClinVar:

ClinVar aggregate classification (germline): Pathogenic/Likely pathogenic. Review status: criteria provided, multiple submitters, no conflicts (2 of 4 stars). 3 submissions from 3 submitters: Pathogenic (2); Likely pathogenic (1). Last evaluated 2025-08-06.

Conditions:
Medium-chain acyl-coenzyme A dehydrogenase deficiency (ACADMD). Also called: ACADM DEFICIENCY; CARNITINE DEFICIENCY SECONDARY TO MEDIUM-CHAIN ACYL-CoA DEHYDROGENASE DEFICIENCY; MCADH DEFICIENCY; MCADD; Medium chain acyl-CoA dehydrogenase deficiency; MCAD Deficiency. Identifiers: Orphanet 42, MedGen C0220710, MONDO:0008721, OMIM 201450.

Submissions (3):

Myriad Genetics, Inc.
Classification: Pathogenic for Medium-chain acyl-coenzyme A dehydrogenase deficiency. Last evaluated: 2025-08-06. Review status: criteria provided, single submitter. Criteria: Myriad Autosomal Dominant, Autosomal Recessive and X-Linked Classification Criteria (2023). Collection method: clinical testing. Allele origin: unknown.
Comment: NM_000016.4(ACADM):c.232dupA(I78Nfs*2) is a frameshift variant classified as pathogenic in the context of medium-chain acyl-CoA dehydrogenase deficiency. I78Nfs*2 has been observed in a case with relevant disease (PMID: 33580884). Relevant functional assessments of this variant are not available in the literature. I78Nfs*2 has not been observed in referenced population frequency databases. In summary, NM_000016.4(ACADM):c.232dupA(I78Nfs*2) is a frameshift variant in a gene where loss of function is a known mechanism of disease, is predicted to disrupt protein function, and has been observed more frequently in cases with the relevant disease than in healthy populations. Please note: this variant was assessed in the context of healthy population screening.

Natera, Inc.
Classification: Likely pathogenic for Medium Chain Acyl-CoA Dehydrogenase Deficiency. Last evaluated: 2024-09-03. Review status: criteria provided, single submitter. Criteria: Natera Variant Classification Schema (03/2026). Collection method: clinical testing. Allele origin: germline.
Comment: The c.232dup variant in ACADM is a frameshift variant predicted to shift the reading frame beginning at codon 78 and leads to a stop codon 2 codons downstream. This variant is expected to result in nonsense mediated decay, truncation, or a dysfunctional protein product. This variant is rare in the general population with a frequency below the threshold expected for the associated phenotype(s). Given the available evidence, this variant is classified as Likely Pathogenic.

ARUP Laboratories, Molecular Genetics and Genomics, ARUP Laboratories
Classification: Pathogenic for Medium-chain acyl-coenzyme A dehydrogenase deficiency. Last evaluated: 2020-11-08. Review status: criteria provided, single submitter. Criteria: ARUP Molecular Germline Variant Investigation Process 2021. Collection method: clinical testing. Allele origin: germline.
Comment: The ACADM c.232dupA; p.Ile78AsnfsTer2 variant, to our knowledge, is not reported in the medical literature or gene specific databases. This variant is also absent from general population databases (Exome Variant Server, Genome Aggregation Database), indicating it is not a common polymorphism. This variant causes a frameshift by inserting a single nucleotide, so it is predicted to result in a truncated protein or mRNA subject to nonsense-mediated decay. Additionally, several downstream truncating variants have been described in individuals with medium-chain acyl-CoA dehydrogenase deficiency and are considered pathogenic (Maier 2005, Sturm 2012). Based on available information, this variant is considered to be pathogenic. References: Maier EM et al. Population spectrum of ACADM genotypes correlated to biochemical phenotypes in newborn screening for medium-chain acyl-CoA dehydrogenase deficiency. Hum Mutat. 2005 May;25(5):443-52. Sturm M et al. Functional effects of different medium-chain acyl-CoA dehydrogenase genotypes and identification of asymptomatic variants. PLoS One. 2012;7(9):e45110.

Literature cited by the submitters: PubMed 33580884 (cited by Myriad Genetics, Inc.).

NM_000016.6(ACADM):c.232dup (p.Ile78fs)

Gene: ACADM (acyl-CoA dehydrogenase medium chain; plus strand). Cytogenetic location: 1p31.1.
Variant type: Duplication.
Coding change: c.232dup on transcript NM_000016.6 (MANE Select); coding-DNA position 232, one base duplicated (A; older notation c.232dupA).
Protein change: p.Ile78fs; shifts the reading frame from isoleucine 78.
Molecular consequence: frameshift variant. On other transcripts: 5 prime UTR variant (1).
Genome position (GRCh38, 1-based): chr1:75,732,868, A duplicated; the last of 2 consecutive A bases (chr1:75,732,867-75,732,868); duplicating either gives the same sequence. VCF-style (leftmost placement, unchanged base first): chr1-75732866-T-TA. GRCh37 (hg19) VCF-style: chr1-76198551-T-TA.
Other names: c.244dup, p.Ile82fs (NM_001127328.3); c.124dup, p.Ile42fs (NM_001286042.2); c.232dup, p.Ile78fs (NM_001286043.2); c.-154dup (NM_001286044.2); c.232dup (NM_000016.5); short protein forms I42fs, I78fs, I82fs.
Identifiers: ClinVar variation 1331078 (VCV001331078.9), dbSNP rs2100363479, ClinGen allele CA2573051617.